The following is an entry in ClinVar:

NM_001376.5(DYNC1H1):c.5597T>A (p.Phe1866Tyr)

Gene: DYNC1H1 (dynein cytoplasmic 1 heavy chain 1; plus strand). Cytogenetic location: 14q32.31.
Variant type: single nucleotide variant.
Coding change: c.5597T>A on transcript NM_001376.5 (MANE Select); coding-DNA position 5597, T replaced by A.
Protein change: p.Phe1866Tyr; replaces phenylalanine 1866 with tyrosine.
Molecular consequence: missense variant.
Genome position (GRCh38, 1-based): chr14:102,006,051, T>A. VCF-style: chr14-102006051-T-A. GRCh37 (hg19) VCF-style: chr14-102472388-T-A.
Other names: short protein forms F1866Y.
Identifiers: ClinVar variation 1699098 (VCV001699098.3), dbSNP rs2141289673, ClinGen allele CA391048733.

ClinVar aggregate classification (germline): Uncertain significance (1 of 4 stars; one submission).

Conditions:
Autosomal dominant childhood-onset proximal spinal muscular atrophy without contractures. Also called: KUGELBERG-WELANDER SYNDROME, AUTOSOMAL DOMINANT; SPINAL MUSCULAR ATROPHY, JUVENILE, PROXIMAL, AUTOSOMAL DOMINANT; SPINAL MUSCULAR ATROPHY, CHILDHOOD, PROXIMAL, AUTOSOMAL DOMINANT; Spinal muscular atrophy, lower extremity-predominant 1, AD. Identifiers: Orphanet 209341, Orphanet 363447, MedGen C5780022, MONDO:0008026, OMIM 158600.

Submission:

Victorian Clinical Genetics Services, Murdoch Childrens Research Institute
Classification: Uncertain significance for Autosomal dominant childhood-onset proximal spinal muscular atrophy without contractures. Last evaluated: 2022-06-24. Review status: criteria provided, single submitter. Criteria: ACMG Guidelines, 2015. Collection method: clinical testing. Allele origin: germline. Inheritance: Autosomal dominant inheritance. Affected: yes.
Comment: Based on the classification scheme VCGS_Germline_v1.3.4, this variant is classified as VUS-3B. Following criteria are met: 0103 - Loss of function and gain of function are known mechanisms of disease in this gene and are associated with spinal muscular atrophy, lower extremity-predominant 1 (MIM#158600), intellectual disability (MIM#614563) and Charcot-Marie-Tooth disease, axonal, type 20 (MIM#614228). While there is no clear genotype-phenotype correlation, there is some association between the severity of the variant on protein function and the phenotype that is manifested (PMIDs: 25512093, 28196890). (I) 0107 - This gene is associated with autosomal dominant disease. (I) 0115 - Variants in this gene are known to have variable expressivity, with intrafamilial variation reported (PMID: 25512093). (I) 0200 - Variant is predicted to result in a missense amino acid change from phenylalanine to tyrosine. (I) 0251 - This variant is heterozygous. (I) 0301 - Variant is absent from gnomAD (both v2 and v3). (SP) 0502 - Missense variant with conflicting in silico predictions and uninformative conservation. (I) 0604 - Variant is not located in an established domain, motif, hotspot or informative constraint region. (I) 0705 - No comparable missense variants have previous evidence for pathogenicity. (I) 0807 - This variant has no previous evidence of pathogenicity. (I) 0905 - No published segregation evidence has been identified for this variant. (I) 1007 - No published functional evidence has been identified for this variant. (I) 1208 - Inheritance information for this variant is not currently available in this individual. (I) Legend: (SP) - Supporting pathogenic, (I) - Information, (SB) - Supporting benign

Literature cited by the submitters: PubMed 25512093; PubMed 28196890.